The following is an entry in ClinVar:

ClinVar aggregate classification (germline): Uncertain significance (1 of 4 stars; one submission).

Submission:

GeneDx
Classification: Uncertain significance. Last evaluated: 2025-03-10. Review status: criteria provided, single submitter. Criteria: GeneDx Variant Classification Process June 2021. Collection method: clinical testing. Allele origin: germline. Affected: yes.
Comment: Not observed at significant frequency in large population cohorts (gnomAD); In silico analysis supports that this missense variant has a deleterious effect on protein structure/function; Has not been previously published as pathogenic or benign to our knowledge

NM_000069.3(CACNA1S):c.4352T>C (p.Met1451Thr)

Gene: CACNA1S (calcium voltage-gated channel subunit alpha1 S; minus strand). Cytogenetic location: 1q32.1.
Variant type: single nucleotide variant.
Coding change: c.4352T>C on transcript NM_000069.3 (MANE Select); coding-DNA position 4352, T replaced by C.
Protein change: p.Met1451Thr; replaces methionine 1451 with threonine.
Molecular consequence: missense variant.
Genome position (GRCh38, 1-based): chr1:201,048,671, A>G on the plus strand (T>C on the coding strand, the complement: CACNA1S is on the minus strand). VCF-style: chr1-201048671-A-G. GRCh37 (hg19) VCF-style: chr1-201017799-A-G.
Other names: short protein forms M1451T.
Identifiers: ClinVar variation 4083107 (VCV004083107.1).